The following is an entry in ClinVar:

NM_001079.4(ZAP70):c.1240A>G (p.Met414Val)

Gene: ZAP70 (zeta chain of T cell receptor associated protein kinase 70; plus strand). Cytogenetic location: 2q11.2.
Variant type: single nucleotide variant.
Coding change: c.1240A>G on transcript NM_001079.4 (MANE Select); coding-DNA position 1240, A replaced by G.
Protein change: p.Met414Val; replaces methionine 414 with valine.
Molecular consequence: missense variant.
Genome position (GRCh38, 1-based): chr2:97,735,407, A>G. VCF-style: chr2-97735407-A-G. GRCh37 (hg19) VCF-style: chr2-98351870-A-G.
Other names: c.1240A>G, p.Met414Val (NM_001378594.1); c.319A>G, p.Met107Val (NM_207519.2); short protein forms M107V, M414V.
Identifiers: ClinVar variation 1491443 (VCV001491443.6), dbSNP rs1677828656, ClinGen allele CA347802028.

ClinVar aggregate classification (germline): Uncertain significance (1 of 4 stars; one submission).

Conditions:
Combined immunodeficiency due to ZAP70 deficiency (IMD48). Also called: ZAP70 Deficiency; Immunodeficiency 48. Identifiers: Orphanet 911, MedGen C2931299, MONDO:0010023, OMIM 269840.

Allele frequency attached by ClinVar (database versions not stated): gnomAD 0.00001.
gnomAD v4.1: 1 of 1,611,018 alleles (0.000062%); highest among the groups gnomAD compares: Non-Finnish European, 0.000085%; no homozygotes.

Submission:

Labcorp Genetics (formerly Invitae), Labcorp
Classification: Uncertain significance for Combined immunodeficiency due to ZAP70 deficiency. Last evaluated: 2021-09-17. Review status: criteria provided, single submitter. Criteria: Invitae Variant Classification Sherloc (09022015). Collection method: clinical testing. Allele origin: germline.
Comment: This sequence change replaces methionine with valine at codon 414 of the ZAP70 protein (p.Met414Val). The methionine residue is highly conserved and there is a small physicochemical difference between methionine and valine. This variant is not present in population databases (ExAC no frequency). This variant has not been reported in the literature in individuals affected with ZAP70-related conditions. Algorithms developed to predict the effect of missense changes on protein structure and function are either unavailable or do not agree on the potential impact of this missense change (SIFT: "Not Available"; PolyPhen-2: "Benign"; Align-GVGD: "Not Available"). In summary, the available evidence is currently insufficient to determine the role of this variant in disease. Therefore, it has been classified as a Variant of Uncertain Significance.